The following is an entry in ClinVar:

NM_002968.3(SALL1):c.1911G>A (p.Ala637=)

Gene: SALL1 (spalt like transcription factor 1; minus strand). Cytogenetic location: 16q12.1.
Variant type: single nucleotide variant.
Coding change: c.1911G>A on transcript NM_002968.3 (MANE Select); coding-DNA position 1911, G replaced by A.
Protein change: p.Ala637=; no amino-acid change (alanine 637 retained).
Molecular consequence: synonymous variant.
Genome position (GRCh38, 1-based): chr16:51,140,311, C>T on the plus strand (G>A on the coding strand, the complement: SALL1 is on the minus strand). VCF-style: chr16-51140311-C-T. GRCh37 (hg19) VCF-style: chr16-51174222-C-T.
Other names: c.1620G>A, p.Ala540= (NM_001127892.2).
Identifiers: ClinVar variation 286096 (VCV000286096.14), dbSNP rs148595195, ClinGen allele CA8053202.
Genomic context (GRCh38, chr16:51,140,311, plus strand): 5'-GGTGGTGGCACTGCCCGCGGGGCCGCAGTCTGCCGCTGGGGAGCTCAGGACGCTACTGCT[C>T]GCCGTCGGGACTGAGTTGGTGACCATGCCACTCTCTTCGCTTTTGCCACCAGAGGGTGGC-3'
Protein context (NP_002959.2, residues 627-647): SGMVTNSVPT[Ala637=]SSSVLSSPAA

ClinVar aggregate classification (germline): Benign/Likely benign. Review status: criteria provided, multiple submitters, no conflicts (2 of 4 stars). 5 submissions from 5 submitters: Benign (2); Likely benign (3). Last evaluated 2026-07-01.

Conditions:
Townes syndrome (TBS). Also called: Townes-Brocks syndrome. Identifiers: Orphanet 857, MedGen C0265246, MeSH C536974, MONDO:0007142.

Allele frequency attached by ClinVar (database versions not stated): ESP Exome Variant Server 0.00208; TOPMed 0.00220; 1000 Genomes Project 30x 0.00328; 1000 Genomes Project 0.00339.
gnomAD v4.1: 671 of 1,614,094 alleles (0.042%); highest among the groups gnomAD compares: African/African-American, 0.75%; 3 homozygotes.

Submissions (5):

CeGaT Center for Human Genetics Tuebingen
Classification: Likely benign. Last evaluated: 2026-07-01. Review status: criteria provided, single submitter. Criteria: CeGaT Center For Human Genetics Tuebingen Variant Classification Criteria Version 2. Collection method: clinical testing. Allele origin: germline. Affected: yes. Observed: 1 variant allele.
Comment: SALL1: BP4, BP7

Labcorp Genetics (formerly Invitae), Labcorp
Classification: Benign for Townes syndrome. Last evaluated: 2026-01-05. Review status: criteria provided, single submitter. Criteria: Invitae Variant Classification Sherloc (09022015). Collection method: clinical testing. Allele origin: germline.

Blueprint Genetics
Classification: Likely benign. Last evaluated: 2024-11-13. Review status: criteria provided, single submitter. Criteria: ACMG Guidelines, 2015. Collection method: clinical testing. Allele origin: germline.

GeneDx
Classification: Benign. Last evaluated: 2018-10-03. Review status: criteria provided, single submitter. Criteria: GeneDx Variant Classification Process June 2021. Collection method: clinical testing. Allele origin: germline. Affected: yes.

Eurofins Ntd Llc (ga)
Classification: Likely benign. Last evaluated: 2016-02-26. Review status: criteria provided, single submitter. Criteria: EGL Classification Definitions 2015. Collection method: clinical testing. Allele origin: germline. Observed: 1 variant allele, 1 heterozygote.